The following is an entry in ClinVar:

ClinVar aggregate classification (germline): Benign. Review status: criteria provided, multiple submitters, no conflicts (2 of 4 stars). 2 submissions from 2 submitters: Benign (2). Last evaluated 2018-01-13.

Conditions:
Glucocorticoid deficiency 1 (GCCD1). Also called: FAMILIAL GLUCOCORTICOID DEFICIENCY 1; Adrenal unresponsiveness to acth; Glucocorticoid deficiency, due to ACTH unresponsiveness. Identifiers: Orphanet 361, MedGen C4049650, MONDO:0024536, OMIM 202200.

Allele frequency attached by ClinVar (database versions not stated): gnomAD exomes 0.46989; 1000 Genomes Project 0.50459; 1000 Genomes Project 30x 0.50890; gnomAD 0.55035 and 0.56131; TOPMed 0.55749.
gnomAD v4.1: 753,047 of 1,574,826 alleles (48%); highest among the groups gnomAD compares: African/African-American, 75%; 184,865 homozygotes.

Submissions (2):

Illumina Laboratory Services, Illumina
Classification: Benign for Glucocorticoid deficiency 1. Last evaluated: 2018-01-13. Review status: criteria provided, single submitter. Criteria: ICSL Variant Classification Criteria 13 December 2019. Collection method: clinical testing. Allele origin: germline.
Comment: This variant was observed in the ICSL laboratory as part of a predisposition screen in an ostensibly healthy population. It had not been previously curated by ICSL or reported in the Human Gene Mutation Database (HGMD: prior to June 1st, 2018), and was therefore a candidate for classification through an automated scoring system. Utilizing variant allele frequency, disease prevalence and penetrance estimates, and inheritance mode, an automated score was calculated to assess if this variant is too frequent to cause the disease. Based on the score and internal cut-off values, a variant classified as benign is not then subjected to further curation. The score for this variant resulted in a classification of benign for this disease.

Breakthrough Genomics
Classification: Benign. Review status: criteria provided, single submitter. Criteria: ACMG Guidelines, 2015. Collection method: not provided. Allele origin: germline. Inheritance: Autosomal recessive inheritance. Affected: yes.

NM_000529.2(MC2R):c.*58G>A

Gene: MC2R (melanocortin 2 receptor; minus strand). Cytogenetic location: 18p11.21.
Variant type: single nucleotide variant.
Coding change: c.*58G>A on transcript NM_000529.2 (MANE Select); 58 bases downstream of the stop codon, G replaced by A.
Molecular consequence: 3 prime UTR variant.
Genome position (GRCh38, 1-based): chr18:13,884,567, C>T on the plus strand (G>A on the coding strand, the complement: MC2R is on the minus strand). VCF-style: chr18-13884567-C-T. GRCh37 (hg19) VCF-style: chr18-13884566-C-T.
Other names: c.*58G>A (NM_001291911.1).
Identifiers: ClinVar variation 326189 (VCV000326189.6), dbSNP rs4797825, ClinGen allele CA10650582.